The following is an entry in ClinVar:

NM_000535.7(PMS2):c.2007-9T>C

Gene: PMS2 (PMS1 homolog 2, mismatch repair system component; minus strand). Cytogenetic location: 7p22.1.
Variant type: single nucleotide variant.
Coding change: c.2007-9T>C on transcript NM_000535.7 (MANE Select); 9 bases into the intron before coding-DNA position 2007, T replaced by C.
Molecular consequence: intron variant.
Genome position (GRCh38, 1-based): chr7:5,983,000, A>G on the plus strand (T>C on the coding strand, the complement: PMS2 is on the minus strand). VCF-style: chr7-5983000-A-G. GRCh37 (hg19) VCF-style: chr7-6022631-A-G.
Other names: c.1689-9T>C (NM_001322008.2, NM_001322007.2); c.1446-9T>C (NM_001322010.2); c.1602-9T>C (NM_001322004.2, NM_001322003.2, NM_001322009.2 and 1 more transcripts); c.1434-9T>C (NM_001322013.2); c.1074-9T>C (NM_001322012.2, NM_001322011.2); c.1698-9T>C (NM_001322015.2); c.1851-9T>C (NM_001322006.2); c.2007-9T>C (NM_001322014.2).
Identifiers: ClinVar variation 732158 (VCV000732158.12), dbSNP rs1194759833, ClinGen allele CA840186042.

ClinVar aggregate classification (germline): Likely benign. Review status: criteria provided, multiple submitters, no conflicts (2 of 4 stars). 3 submissions from 3 submitters: Likely benign (3). Last evaluated 2025-12-24.

Conditions:
Lynch syndrome 4 (LYNCH4). Also called: Colorectal cancer, hereditary nonpolyposis, type 4; Hereditary non-polyposis colorectal cancer, type 4. Identifiers: Orphanet 144, MedGen C1838333, MONDO:0013699, OMIM 614337. Disease mechanism: loss of function.
Hereditary nonpolyposis colorectal neoplasms. Identifiers: MedGen C0009405, MeSH D003123.

Allele frequency attached by ClinVar (database versions not stated): gnomAD exomes below 0.00001; TOPMed below 0.00001; gnomAD 0.00001.
gnomAD v4.1: 3 of 1,402,356 alleles (0.00021%); highest among the groups gnomAD compares: Non-Finnish European, 0.0003%; no homozygotes.

Submissions (3):

Labcorp Genetics (formerly Invitae), Labcorp
Classification: Likely benign for Hereditary nonpolyposis colorectal neoplasms. Last evaluated: 2025-12-24. Review status: criteria provided, single submitter. Criteria: Invitae Variant Classification Sherloc (09022015). Collection method: clinical testing. Allele origin: germline.

Myriad Genetics, Inc.
Classification: Likely benign for Lynch syndrome 4. Last evaluated: 2025-02-03. Review status: criteria provided, single submitter. Criteria: Myriad Autosomal Dominant, Autosomal Recessive and X-Linked Classification Criteria (2023). Collection method: clinical testing. Allele origin: unknown.
Comment: This variant is considered likely benign. This variant is intronic and is not expected to impact mRNA splicing.

Women's Health and Genetics/Laboratory Corporation of America, LabCorp
Classification: Likely benign. Last evaluated: 2024-12-12. Review status: criteria provided, single submitter. Criteria: LabCorp Variant Classification Summary - May 2015. Collection method: clinical testing. Allele origin: germline.